The following is an entry in ClinVar:

ClinVar aggregate classification (germline): Pathogenic (1 of 4 stars; one submission).

Submission:

Labcorp Genetics (formerly Invitae), Labcorp
Classification: Pathogenic. Last evaluated: 2023-08-11. Review status: criteria provided, single submitter. Criteria: Invitae Variant Classification Sherloc (09022015). Collection method: clinical testing. Allele origin: germline.
Comment: For these reasons, this variant has been classified as Pathogenic. This variant disrupts a region of the SERPING1 protein in which other variant(s) (p.Arg494*) have been determined to be pathogenic (PMID: 8755917, 30508583, 32065705). This suggests that this is a clinically significant region of the protein, and that variants that disrupt it are likely to be disease-causing. This variant has not been reported in the literature in individuals affected with SERPING1-related conditions. This variant is not present in population databases (gnomAD no frequency). This sequence change results in a frameshift in the SERPING1 gene (p.Ala461Profs*115). While this is not anticipated to result in nonsense mediated decay, it is expected to disrupt the last 40 amino acid(s) of the SERPING1 protein and extend the protein by 74 additional amino acid residues.

Literature cited by the submitters: PubMed 8755917; PubMed 30508583; PubMed 32065705.

NM_000062.3(SERPING1):c.1380del (p.Ala461fs)

Gene: SERPING1 (serpin family G member 1; plus strand). Cytogenetic location: 11q12.1.
Variant type: Deletion.
Coding change: c.1380del on transcript NM_000062.3 (MANE Select); coding-DNA position 1380, one base deleted (C; older notation c.1380delC).
Protein change: p.Ala461fs; shifts the reading frame from alanine 461.
Molecular consequence: frameshift variant.
Genome position (GRCh38, 1-based): chr11:57,614,458, C deleted; the last of 2 consecutive C bases (chr11:57,614,457-57,614,458); deleting either gives the same sequence. VCF-style (leftmost placement, unchanged base first): chr11-57614456-TC-T. GRCh37 (hg19) VCF-style: chr11-57381929-TC-T.
Other names: c.1380del, p.Ala461fs (NM_001032295.2); short protein forms A461fs.
Identifiers: ClinVar variation 2752141 (VCV002752141.3), dbSNP rs2495458270, ClinGen allele CA2697548592.